The following is an entry in ClinVar:

GRCh37/hg19 22q11.21(chr22:18916828-21800797)x1

Genes: AIFM3 (AIF family member 3; plus strand), ARVCF (ARVCF delta catenin family member; minus strand), C22orf39 (chromosome 22 open reading frame 39; minus strand), CDC45 (cell division cycle 45; plus strand), CLDN5 (claudin 5; minus strand) and 44 more. Cytogenetic location: 22q11.21.
Variant type: copy number loss.
Change: copy number 1 (one copy instead of two) of chr22:18,916,828-21,800,797 (2.88 Mb, GRCh37 coordinates, 1-based), cytogenetic band 22q11.21.
Identifiers: ClinVar variation 1808608 (VCV001808608.1).

ClinVar aggregate classification (germline): Pathogenic (1 of 4 stars; one submission).

Submission:

Quest Diagnostics Nichols Institute San Juan Capistrano
Classification: Pathogenic. Last evaluated: 2024-06-28. Review status: criteria provided, single submitter. Criteria: ACMG/ClinGen CNV Guidelines, 2019. Collection method: clinical testing. Allele origin: unknown.
Comment: This recurrent 22q11.2 deletion, extending from low copy number repeats (LCRs) A to D, is consistent with the 22q11.2 microdeletion syndrome (ISCA-37446; McDonald-McGinn 2024). This syndrome has been referred to as velocardiofacial syndrome (OMIM 192430), and also historically as DiGeorge syndrome (OMIM 188400). Haploinsufficiency of the TBX1 gene in particular is proposed to be responsible for many of the clinical features. Thus, this copy number variant (CNV) is classified as pathogenic. References: McDonald-McGinn et al., GeneReviews. [2024 May 9]. PMID: 20301696